The following is an entry in ClinVar:

NM_032578.4(MYPN):c.1462C>T (p.Pro488Ser)

Gene: MYPN (myopalladin; plus strand). Cytogenetic location: 10q21.3.
Variant type: single nucleotide variant.
Coding change: c.1462C>T on transcript NM_032578.4 (MANE Select); coding-DNA position 1462, C replaced by T.
Protein change: p.Pro488Ser; replaces proline 488 with serine.
Molecular consequence: missense variant. On other transcripts: non-coding transcript variant (1).
Genome position (GRCh38, 1-based): chr10:68,161,731, C>T. VCF-style: chr10-68161731-C-T. GRCh37 (hg19) VCF-style: chr10-69921488-C-T.
Other names: c.1462C>T, p.Pro488Ser (NM_001256267.2); c.580C>T, p.Pro194Ser (NM_001256268.2); short protein forms P194S, P488S.
Identifiers: ClinVar variation 3877243 (VCV003877243.1).

ClinVar aggregate classification (germline): Uncertain significance (1 of 4 stars; one submission).

Conditions:
Cardiovascular phenotype. Identifiers: MedGen CN230736.

gnomAD v4.1: 2 of 1,610,790 alleles (0.00012%); highest among the groups gnomAD compares: African/African-American, 0.0027%; no homozygotes.

Submission:

Ambry Genetics
Classification: Uncertain significance for Cardiovascular phenotype. Last evaluated: 2024-12-14. Review status: criteria provided, single submitter. Criteria: Ambry Variant Classification Scheme 2023. Collection method: clinical testing. Allele origin: germline.
Comment: The p.P488S variant (also known as c.1462C>T), located in coding exon 7 of the MYPN gene, results from a C to T substitution at nucleotide position 1462. The proline at codon 488 is replaced by serine, an amino acid with similar properties. This amino acid position is conserved. In addition, the in silico prediction for this alteration is inconclusive. Based on the available evidence, the clinical significance of this variant remains unclear.